The following is an entry in ClinVar:

ClinVar aggregate classification (germline): Uncertain significance. Review status: criteria provided, multiple submitters, no conflicts (2 of 4 stars). 3 submissions from 3 submitters: Uncertain significance (3). Last evaluated 2024-12-23.

Conditions:
Hereditary cancer-predisposing syndrome. Also called: Hereditary neoplastic syndrome; Neoplastic Syndromes, Hereditary; Tumor predisposition; Hereditary Cancer Syndrome. Identifiers: Orphanet 140162, MedGen C0027672, MeSH D009386, MONDO:0015356.
Hereditary nonpolyposis colorectal neoplasms. Identifiers: MedGen C0009405, MeSH D003123.

Allele frequency attached by ClinVar (database versions not stated): gnomAD exomes below 0.00001; ExAC 0.00001.
gnomAD v4.1: 4 of 1,612,360 alleles (0.00025%); highest among the groups gnomAD compares: Non-Finnish European, 0.00025%; no homozygotes.

Submissions (3):

Ambry Genetics
Classification: Uncertain significance for Hereditary cancer-predisposing syndrome. Last evaluated: 2024-12-23. Review status: criteria provided, single submitter. Criteria: Ambry Variant Classification Scheme 2023. Collection method: clinical testing. Allele origin: germline.
Comment: The p.H1207Q variant (also known as c.3621T>G), located in coding exon 7 of the MSH6 gene, results from a T to G substitution at nucleotide position 3621. The histidine at codon 1207 is replaced by glutamine, an amino acid with highly similar properties. This amino acid position is highly conserved in available vertebrate species. In addition, this alteration is predicted to be deleterious by in silico analysis. Based on the available evidence, the clinical significance of this variant remains unclear.

Labcorp Genetics (formerly Invitae), Labcorp
Classification: Uncertain significance for Hereditary nonpolyposis colorectal neoplasms. Last evaluated: 2023-12-05. Review status: criteria provided, single submitter. Criteria: Invitae Variant Classification Sherloc (09022015). Collection method: clinical testing. Allele origin: germline.
Comment: This sequence change replaces histidine, which is basic and polar, with glutamine, which is neutral and polar, at codon 1207 of the MSH6 protein (p.His1207Gln). This variant is present in population databases (rs766075233, gnomAD 0.0009%). This variant has not been reported in the literature in individuals affected with MSH6-related conditions. ClinVar contains an entry for this variant (Variation ID: 421923). Advanced modeling of protein sequence and biophysical properties (such as structural, functional, and spatial information, amino acid conservation, physicochemical variation, residue mobility, and thermodynamic stability) has been performed at Invitae for this missense variant, however the output from this modeling did not meet the statistical confidence thresholds required to predict the impact of this variant on MSH6 protein function. In summary, the available evidence is currently insufficient to determine the role of this variant in disease. Therefore, it has been classified as a Variant of Uncertain Significance.

GeneDx
Classification: Uncertain significance. Last evaluated: 2016-08-03. Review status: criteria provided, single submitter. Criteria: GeneDx Variant Classification (06012015). Collection method: clinical testing. Allele origin: germline. Affected: yes.
Comment: This variant is denoted MSH6 c.3621T>G at the cDNA level, p.His1207Gln (H1207Q) at the protein level, and results in the change of a Histidine to a Glutamine (CAT>CAG). This variant was not observed in individuals with schizophrenia but was observed in one control, with no specific information about cancer history provided (Purcell 2014). MSH6 His1207Gln was not observed in approximately 6,500 individuals of European and African American ancestry in the NHLBI Exome Sequencing Project, suggesting it is not a common benign variant in these populations. Since Histidine and Glutamine differ in some properties, this is considered a semi-conservative amino acid substitution. MSH6 His1207Gln occurs at a position that is conserved across species and is located within domain V of the MutS domain (Terui 2013). In silico analyses predict that this variant is probably damaging to protein structure and function. Based on currently available evidence, it is unclear whether MSH6 His1207Gln is a pathogenic or benign variant. We consider it to be a variant of uncertain significance.

NM_000179.3(MSH6):c.3621T>G (p.His1207Gln)

Gene: MSH6 (mutS homolog 6; plus strand). Cytogenetic location: 2p16.3.
Variant type: single nucleotide variant.
Coding change: c.3621T>G on transcript NM_000179.3 (MANE Select); coding-DNA position 3621, T replaced by G.
Protein change: p.His1207Gln; replaces histidine 1207 with glutamine.
Molecular consequence: missense variant.
Genome position (GRCh38, 1-based): chr2:47,805,682, T>G. VCF-style: chr2-47805682-T-G. GRCh37 (hg19) VCF-style: chr2-48032821-T-G.
Other names: c.3231T>G, p.His1077Gln (NM_001281492.2); c.2715T>G, p.His905Gln (NM_001281493.2, NM_001281494.2); short protein forms H1207Q, H1077Q, H905Q.
Identifiers: ClinVar variation 421923 (VCV000421923.11), dbSNP rs766075233, ClinGen allele CA071509.